The following is an entry in ClinVar:

NM_000452.3(SLC10A2):c.579A>G (p.Ile193Met)

Gene: SLC10A2 (solute carrier family 10 member 2; minus strand). Cytogenetic location: 13q33.1.
Variant type: single nucleotide variant.
Coding change: c.579A>G on transcript NM_000452.3 (MANE Select); coding-DNA position 579, A replaced by G.
Protein change: p.Ile193Met; replaces isoleucine 193 with methionine.
Molecular consequence: missense variant.
Genome position (GRCh38, 1-based): chr13:103,052,626, T>C on the plus strand (A>G on the coding strand, the complement: SLC10A2 is on the minus strand). VCF-style: chr13-103052626-T-C. GRCh37 (hg19) VCF-style: chr13-103704976-T-C.
Other names: short protein forms I193M.
Identifiers: ClinVar variation 4762195 (VCV004762195.1).

ClinVar aggregate classification (germline): Uncertain significance (1 of 4 stars; one submission).

gnomAD v4.1: 42 of 1,602,970 alleles (0.0026%); highest among the groups gnomAD compares: Non-Finnish European, 0.0035%; no homozygotes.

Submission:

Labcorp Genetics (formerly Invitae), Labcorp
Classification: Uncertain significance. Last evaluated: 2025-10-22. Review status: criteria provided, single submitter. Criteria: Invitae Variant Classification Sherloc (09022015). Collection method: clinical testing. Allele origin: germline.
Comment: This sequence change replaces isoleucine, which is neutral and non-polar, with methionine, which is neutral and non-polar, at codon 193 of the SLC10A2 protein (p.Ile193Met). This variant is present in population databases (rs780784030, gnomAD 0.0009%). This variant has not been reported in the literature in individuals affected with SLC10A2-related conditions. Invitae Evidence Modeling of protein sequence and biophysical properties (such as structural, functional, and spatial information, amino acid conservation, physicochemical variation, residue mobility, and thermodynamic stability) indicates that this missense variant is not expected to disrupt SLC10A2 protein function with a negative predictive value of 80%. In summary, the available evidence is currently insufficient to determine the role of this variant in disease. Therefore, it has been classified as a Variant of Uncertain Significance.